The following is an entry in ClinVar:

NM_001927.4(DES):c.86C>T (p.Pro29Leu)

Gene: DES (desmin; plus strand). Cytogenetic location: 2q35.
Variant type: single nucleotide variant.
Coding change: c.86C>T on transcript NM_001927.4 (MANE Select); coding-DNA position 86, C replaced by T.
Protein change: p.Pro29Leu; replaces proline 29 with leucine.
Molecular consequence: missense variant.
Genome position (GRCh38, 1-based): chr2:219,418,548, C>T. VCF-style: chr2-219418548-C-T. GRCh37 (hg19) VCF-style: chr2-220283270-C-T.
Other names: short protein forms P29L.
Identifiers: ClinVar variation 851957 (VCV000851957.9), dbSNP rs1378987625, ClinGen allele CA350682752.

ClinVar aggregate classification (germline): Uncertain significance. Review status: criteria provided, multiple submitters, no conflicts (2 of 4 stars). 2 submissions from 2 submitters: Uncertain significance (2). Last evaluated 2023-06-09.

Conditions:
Desmin-related myofibrillar myopathy (MFM1). Also called: Desminopathy; MYOFIBRILLAR MYOPATHY WITH ARRHYTHMOGENIC RIGHT VENTRICULAR CARDIOMYOPATHY; DESMIN-RELATED MYOPATHY WITH ARRHYTHMOGENIC RIGHT VENTRICULAR CARDIOMYOPATHY; Desmin related myopathy (former name); Desmin storage myopathy (former name); Myofibrillar myopathy 1. Identifiers: Orphanet 363543, Orphanet 98909, MedGen C1832370, MONDO:0011076, OMIM 601419.

gnomAD v4.1: 40 of 1,603,960 alleles (0.0025%); highest among the groups gnomAD compares: Non-Finnish European, 0.0033%; no homozygotes.

Submissions (2):

Blueprint Genetics
Classification: Uncertain significance. Last evaluated: 2023-06-09. Review status: criteria provided, single submitter. Criteria: ACMG Guidelines, 2015. Collection method: clinical testing. Allele origin: germline.

Labcorp Genetics (formerly Invitae), Labcorp
Classification: Uncertain significance for Desmin-related myofibrillar myopathy. Last evaluated: 2022-04-07. Review status: criteria provided, single submitter. Criteria: Invitae Variant Classification Sherloc (09022015). Collection method: clinical testing. Allele origin: germline.
Comment: In summary, the available evidence is currently insufficient to determine the role of this variant in disease. Therefore, it has been classified as a Variant of Uncertain Significance. Algorithms developed to predict the effect of missense changes on protein structure and function are either unavailable or do not agree on the potential impact of this missense change (SIFT: "Deleterious"; PolyPhen-2: "Not Available"; Align-GVGD: "Class C0"). ClinVar contains an entry for this variant (Variation ID: 851957). This variant has not been reported in the literature in individuals affected with DES-related conditions. This variant is not present in population databases (gnomAD no frequency). This sequence change replaces proline, which is neutral and non-polar, with leucine, which is neutral and non-polar, at codon 29 of the DES protein (p.Pro29Leu).